The following is an entry in ClinVar:

NM_005477.3(HCN4):c.1913G>T (p.Gly638Val)

Gene: HCN4 (hyperpolarization activated cyclic nucleotide gated potassium channel 4; minus strand). Cytogenetic location: 15q24.1.
Variant type: single nucleotide variant.
Coding change: c.1913G>T on transcript NM_005477.3 (MANE Select); coding-DNA position 1913, G replaced by T.
Protein change: p.Gly638Val; replaces glycine 638 with valine.
Molecular consequence: missense variant.
Genome position (GRCh38, 1-based): chr15:73,325,020, C>A on the plus strand (G>T on the coding strand, the complement: HCN4 is on the minus strand). VCF-style: chr15-73325020-C-A. GRCh37 (hg19) VCF-style: chr15-73617361-C-A.
Other names: short protein forms G638V.
Identifiers: ClinVar variation 1493279 (VCV001493279.8), dbSNP rs2151215427, ClinGen allele CA393090598.

ClinVar aggregate classification (germline): Uncertain significance (1 of 4 stars; one submission).

Conditions:
Brugada syndrome 8 (BRGDA8). Identifiers: Orphanet 130, MedGen C2751083, MONDO:0013148, OMIM 613123.

Submission:

Labcorp Genetics (formerly Invitae), Labcorp
Classification: Uncertain significance for Brugada syndrome 8. Last evaluated: 2021-04-09. Review status: criteria provided, single submitter. Criteria: Invitae Variant Classification Sherloc (09022015). Collection method: clinical testing. Allele origin: germline.
Comment: In summary, the available evidence is currently insufficient to determine the role of this variant in disease. Therefore, it has been classified as a Variant of Uncertain Significance. Advanced modeling of protein sequence and biophysical properties (such as structural, functional, and spatial information, amino acid conservation, physicochemical variation, residue mobility, and thermodynamic stability) performed at Invitae indicates that this missense variant is expected to disrupt HCN4 protein function. This variant has not been reported in the literature in individuals with HCN4-related conditions. This variant is not present in population databases (ExAC no frequency). This sequence change replaces glycine with valine at codon 638 of the HCN4 protein (p.Gly638Val). The glycine residue is highly conserved and there is a moderate physicochemical difference between glycine and valine.